The following is an entry in ClinVar:

NM_003072.5(SMARCA4):c.2508A>G (p.Gly836=)

Gene: SMARCA4 (SWI/SNF related BAF chromatin remodeling complex subunit ATPase 4; plus strand). Cytogenetic location: 19p13.2.
Variant type: single nucleotide variant.
Coding change: c.2508A>G on transcript NM_003072.5 (MANE Select); coding-DNA position 2508, A replaced by G.
Protein change: p.Gly836=; no amino-acid change (glycine 836 retained).
Molecular consequence: synonymous variant. On other transcripts: non-coding transcript variant (1).
Genome position (GRCh38, 1-based): chr19:11,019,593, A>G. VCF-style: chr19-11019593-A-G. GRCh37 (hg19) VCF-style: chr19-11130269-A-G.
Other names: c.2508A>G, p.Gly836= (NM_001128844.3, NM_001128845.2, NM_001128846.2 and 6 more transcripts).
Identifiers: ClinVar variation 3233092 (VCV003233092.2), dbSNP rs2146372821, ClinGen allele CA505490211.

ClinVar aggregate classification (germline): Conflicting classifications of pathogenicity. Review status: criteria provided, conflicting classifications (1 of 4 stars). 2 submissions from 2 submitters: Uncertain significance (1); Benign (1). Last evaluated 2026-07-13.

Conditions:
Rhabdoid tumor predisposition syndrome 2 (RTPS2). Identifiers: Orphanet 231108, Orphanet 69077, MedGen C2750074, MONDO:0013224, OMIM 613325.
Hereditary cancer-predisposing syndrome. Also called: Tumor predisposition; Hereditary neoplastic syndrome; Hereditary Cancer Syndrome; Neoplastic Syndromes, Hereditary. Identifiers: Orphanet 140162, MedGen C0027672, MeSH D009386, MONDO:0015356.

Allele frequency attached by ClinVar (database versions not stated): gnomAD exomes below 0.00001.
gnomAD v4.1: 1 of 1,606,620 alleles (0.000062%); highest among the groups gnomAD compares: Non-Finnish European, 0.000085%; no homozygotes.

Submissions (2):

Myriad Genetics, Inc.
Classification: Benign for Rhabdoid tumor predisposition syndrome 2. Last evaluated: 2026-07-13. Review status: criteria provided, single submitter. Criteria: Myriad Autosomal Dominant, Autosomal Recessive and X-Linked Classification Criteria (2023). Collection method: clinical testing. Allele origin: unknown.
Comment: This variant is considered benign. This variant is a silent/synonymous amino acid change and it is not expected to impact splicing.

Ambry Genetics
Classification: Uncertain significance for Hereditary cancer-predisposing syndrome. Last evaluated: 2024-01-08. Review status: criteria provided, single submitter. Criteria: Ambry Variant Classification Scheme 2023. Collection method: clinical testing. Allele origin: germline.
Comment: The c.2508A>G variant (also known as p.G836G), located in coding exon 17 of the SMARCA4 gene, results from an A to G substitution at nucleotide position 2508. This nucleotide substitution does not change the glycine at codon 836. This nucleotide position is poorly conserved in available vertebrate species. In silico splice site analysis for this alteration is inconclusive. Since supporting evidence is limited at this time, the clinical significance of this alteration remains unclear.